The following is an entry in ClinVar:

NM_001614.5(ACTG1):c.825C>T (p.His275=)

Gene: ACTG1 (actin gamma 1; minus strand). Cytogenetic location: 17q25.3.
Variant type: single nucleotide variant.
Coding change: c.825C>T on transcript NM_001614.5 (MANE Select); coding-DNA position 825, C replaced by T.
Protein change: p.His275=; no amino-acid change (histidine 275 retained).
Molecular consequence: synonymous variant. On other transcripts: non-coding transcript variant (1).
Genome position (GRCh38, 1-based): chr17:81,511,086, G>A on the plus strand (C>T on the coding strand, the complement: ACTG1 is on the minus strand). VCF-style: chr17-81511086-G-A. GRCh37 (hg19) VCF-style: chr17-79478112-G-A.
Other names: c.825C>T, p.His275= (NM_001199954.3).
Identifiers: ClinVar variation 289432 (VCV000289432.16), dbSNP rs145303691, ClinGen allele CA8835927.

ClinVar aggregate classification (germline): Conflicting classifications of pathogenicity. Review status: criteria provided, conflicting classifications (1 of 4 stars). 5 submissions from 5 submitters: Uncertain significance (1); Benign (1); Likely benign (2). 1 of the submissions does not count toward it. Last evaluated 2025-12-24.

Conditions:
Autosomal dominant nonsyndromic hearing loss 20. Identifiers: Orphanet 90635, MedGen C1858172, MONDO:0011480, OMIM 604717.
Baraitser-winter syndrome 2. Identifiers: Orphanet 2995, MedGen C3281235, MONDO:0013812, OMIM 614583.
ACTG1-related disorder. Also called: ACTG1-related disorders; ACTG1-related condition.

Allele frequency attached by ClinVar (database versions not stated): gnomAD exomes 0.00004 and 0.00006; ExAC 0.00006; gnomAD 0.00016 and 0.00017; TOPMed 0.00021; ESP Exome Variant Server 0.00038.

Submissions (5):

Labcorp Genetics (formerly Invitae), Labcorp
Classification: Likely benign for Baraitser-winter syndrome 2; Autosomal dominant nonsyndromic hearing loss 20. Last evaluated: 2025-12-24. Review status: criteria provided, single submitter. Criteria: Invitae Variant Classification Sherloc (09022015). Collection method: clinical testing. Allele origin: germline.

GeneDx
Classification: Benign. Last evaluated: 2020-06-29. Review status: criteria provided, single submitter. Criteria: GeneDx Variant Classification Process June 2021. Collection method: clinical testing. Allele origin: germline. Affected: yes.

Eurofins Ntd Llc (ga)
Classification: Uncertain significance. Last evaluated: 2017-12-20. Review status: criteria provided, single submitter. Criteria: EGL Classification Definitions 2015. Collection method: clinical testing. Allele origin: germline. Observed: 3 variant alleles, 3 heterozygotes.

Laboratory for Molecular Medicine, Mass General Brigham Personalized Medicine
Classification: Likely benign. Last evaluated: 2016-05-28. Review status: criteria provided, single submitter. Criteria: LMM Criteria. Collection method: clinical testing. Allele origin: germline. Observed: 1 variant allele.
Comment: p.His275His in exon 05 of ACTG1: This variant is not expected to have clinical s ignificance because it does not alter an amino acid residue, is not located with in the splice consensus sequence, and has been identified in 7/10360 African chr omosomes by the Exome Aggregation Consortium (ExAC, rg; dbSNP rs145303691).

PreventionGenetics, part of Exact Sciences
Classification: Likely benign for ACTG1-related condition. Last evaluated: 2022-12-22. Review status: no assertion criteria provided. Collection method: clinical testing. Allele origin: germline. Not counted in ClinVar's aggregate classification.
Comment: This variant is classified as likely benign based on ACMG/AMP sequence variant interpretation guidelines (Richards et al. 2015 PMID: 25741868, with internal and published modifications).